The following is an entry in ClinVar:

NM_018026.4(PACS1):c.171C>G (p.Ser57=)

Gene: PACS1 (phosphofurin acidic cluster sorting protein 1; plus strand). Cytogenetic location: 11q13.1.
Variant type: single nucleotide variant.
Coding change: c.171C>G on transcript NM_018026.4 (MANE Select); coding-DNA position 171, C replaced by G.
Protein change: p.Ser57=; no amino-acid change (serine 57 retained).
Molecular consequence: synonymous variant.
Genome position (GRCh38, 1-based): chr11:66,070,657, C>G. VCF-style: chr11-66070657-C-G. GRCh37 (hg19) VCF-style: chr11-65838128-C-G.
Identifiers: ClinVar variation 3351949 (VCV003351949.1).

ClinVar aggregate classification (germline): Likely benign (0 of 4 stars; one submission).

Conditions:
PACS1-related disorder. Also called: PACS1-related condition.

gnomAD v4.1: 85 of 1,566,298 alleles (0.0054%); highest among the groups gnomAD compares: Non-Finnish European, 0.0064%; no homozygotes.

Submission:

PreventionGenetics, part of Exact Sciences
Classification: Likely benign for PACS1-related condition. Last evaluated: 2024-09-24. Review status: no assertion criteria provided. Collection method: clinical testing. Allele origin: germline.
Comment: This variant is classified as likely benign based on ACMG/AMP sequence variant interpretation guidelines (Richards et al. 2015 PMID: 25741868, with internal and published modifications).